The following is an entry in ClinVar:

NM_003906.5(MCM3AP):c.1273_1274insC (p.Ser425fs)

Gene: MCM3AP (minichromosome maintenance complex component 3 associated protein; minus strand). Cytogenetic location: 21q22.3.
Variant type: Insertion.
Coding change: c.1273_1274insC on transcript NM_003906.5 (MANE Select); coding-DNA positions 1273 to 1274, C inserted.
Protein change: p.Ser425fs; shifts the reading frame from serine 425.
Molecular consequence: frameshift variant.
Genome position: GRCh38 VCF-style: chr21-46283784-C-CG. GRCh37 (hg19) VCF-style: chr21-47703698-C-CG.
Other names: short protein forms S425fs.
Identifiers: ClinVar variation 1423443 (VCV001423443.6), dbSNP rs2145724454, ClinGen allele CA2573157526.
Genomic context (GRCh38, chr21:46,283,784, plus strand): 5'-TAGTCAGGGATGTTCTTGCACTGGATGGCTGTGACTTCAGAGGGAGACAAGCCCCCAAGA[C>CG]TGTCTGTGCTCTCGCTTCTGTTACTCTGACGCGCCGGAGTTCCTCTTAGAGAATCTAGGG-3'

ClinVar aggregate classification (germline): Pathogenic (1 of 4 stars; one submission).

Submission:

Labcorp Genetics (formerly Invitae), Labcorp
Classification: Pathogenic. Last evaluated: 2021-05-03. Review status: criteria provided, single submitter. Criteria: Invitae Variant Classification Sherloc (09022015). Collection method: clinical testing. Allele origin: germline.
Comment: For these reasons, this variant has been classified as Pathogenic. This variant has not been reported in the literature in individuals with MCM3AP-related conditions. This variant is not present in population databases (ExAC no frequency). This sequence change creates a premature translational stop signal (p.Ser425Thrfs*9) in the MCM3AP gene. It is expected to result in an absent or disrupted protein product. Loss-of-function variants in MCM3AP are known to be pathogenic (PMID: 28633435).

Literature cited by the submitters: PubMed 28633435.